The following is an entry in ClinVar:

NM_000282.4(PCCA):c.1243G>A (p.Gly415Arg)

Gene: PCCA (propionyl-CoA carboxylase subunit alpha; plus strand). Cytogenetic location: 13q32.3.
Variant type: single nucleotide variant.
Coding change: c.1243G>A on transcript NM_000282.4 (MANE Select); coding-DNA position 1243, G replaced by A.
Protein change: p.Gly415Arg; replaces glycine 415 with arginine.
Molecular consequence: missense variant. On other transcripts: non-coding transcript variant (5).
Genome position (GRCh38, 1-based): chr13:100,302,957, G>A. VCF-style: chr13-100302957-G-A. GRCh37 (hg19) VCF-style: chr13-100955211-G-A.
Other names: c.1165G>A, p.Gly389Arg (NM_001127692.3, NM_001352607.2); c.1243G>A, p.Gly415Arg (NM_001178004.2, NM_001352605.2, NM_001352609.2); c.1099G>A, p.Gly367Arg (NM_001352606.2); c.1021G>A, p.Gly341Arg (NM_001352608.2); c.298G>A, p.Gly100Arg (NM_001352610.2, NM_001352611.2); c.154G>A, p.Gly52Arg (NM_001352612.2); short protein forms G100R, G389R, G415R, G341R, G367R, G52R.
Identifiers: ClinVar variation 3636577 (VCV003636577.2).

ClinVar aggregate classification (germline): Uncertain significance (1 of 4 stars; one submission).

Conditions:
Propionic acidemia (PROP). Also called: GLYCINEMIA, KETOTIC; HYPERGLYCINEMIA WITH KETOACIDOSIS AND LEUKOPENIA; KETOTIC HYPERGLYCINEMIA. Identifiers: Orphanet 35, MedGen C0268579, MONDO:0011628, OMIM 606054, HP:0003571.

Submission:

Labcorp Genetics (formerly Invitae), Labcorp
Classification: Uncertain significance for Propionic acidemia. Last evaluated: 2024-03-21. Review status: criteria provided, single submitter. Criteria: Invitae Variant Classification Sherloc (09022015). Collection method: clinical testing. Allele origin: germline.
Comment: This sequence change replaces glycine, which is neutral and non-polar, with arginine, which is basic and polar, at codon 415 of the PCCA protein (p.Gly415Arg). This variant is not present in population databases (gnomAD no frequency). This variant has not been reported in the literature in individuals affected with PCCA-related conditions. Advanced modeling of protein sequence and biophysical properties (such as structural, functional, and spatial information, amino acid conservation, physicochemical variation, residue mobility, and thermodynamic stability) performed at Invitae indicates that this missense variant is expected to disrupt PCCA protein function with a positive predictive value of 95%. In summary, the available evidence is currently insufficient to determine the role of this variant in disease. Therefore, it has been classified as a Variant of Uncertain Significance.